The following is an entry in ClinVar:

NM_000159.4(GCDH):c.446T>C (p.Met149Thr)

Gene: GCDH (glutaryl-CoA dehydrogenase; plus strand). Cytogenetic location: 19p13.13.
Variant type: single nucleotide variant.
Coding change: c.446T>C on transcript NM_000159.4 (MANE Select); coding-DNA position 446, T replaced by C.
Protein change: p.Met149Thr; replaces methionine 149 with threonine.
Molecular consequence: missense variant. On other transcripts: non-coding transcript variant (2).
Genome position (GRCh38, 1-based): chr19:12,893,594, T>C. VCF-style: chr19-12893594-T-C. GRCh37 (hg19) VCF-style: chr19-13004408-T-C.
Other names: c.446T>C, p.Met149Thr (NM_013976.5); short protein forms M149T.
Identifiers: ClinVar variation 1454237 (VCV001454237.11), dbSNP rs2145944429, ClinGen allele CA404317564.

ClinVar aggregate classification (germline): Conflicting classifications of pathogenicity. Review status: criteria provided, conflicting classifications (1 of 4 stars). 4 submissions from 4 submitters: Pathogenic (1); Likely pathogenic (2); Uncertain significance (1). Last evaluated 2025-04-15.

Conditions:
Glutaric aciduria, type 1. Also called: Glutaryl-CoA dehydrogenase deficiency; Glutaric acidemia type I; Glutaricaciduria, type I; GA I; Glutaric Acidemia Type 1; Glutaricacidemia Type 1. Identifiers: Orphanet 25, MedGen C0268595, MONDO:0009281, OMIM 231670.

Submissions (4):

Women's Health and Genetics/Laboratory Corporation of America, LabCorp
Classification: Uncertain significance. Last evaluated: 2025-04-15. Review status: criteria provided, single submitter. Criteria: LabCorp Variant Classification Summary - May 2015. Collection method: clinical testing. Allele origin: germline.
Comment: Variant summary: GCDH c.446T>C (p.Met149Thr) results in a non-conservative amino acid change located in the Acyl-CoA dehydrogenase/oxidase, N-terminal domain (IPR013786) of the encoded protein sequence. Five of five in-silico tools predict a damaging effect of the variant on protein function. The variant was absent in 251460 control chromosomes. c.446T>C has been observed in individual(s) affected with Glutaric Acidemia Type 1. These report(s) do not provide unequivocal conclusions about association of the variant with Glutaric Acidemia Type 1 (Schuurmans_2023, Invitae). To our knowledge, no experimental evidence demonstrating an impact on protein function has been reported. The following publication have been ascertained in the context of this evaluation (PMID: 37020324). ClinVar contains an entry for this variant (Variation ID: 1454237). Based on the evidence outlined above, the variant was classified as VUS-possibly pathogenic.

Department of Human Genetics, Hannover Medical School
Classification: Likely pathogenic for Glutaric aciduria, type 1. Last evaluated: 2024-09-05. Review status: criteria provided, single submitter. Criteria: ACMG Guidelines, 2015. Collection method: clinical testing. Allele origin: germline. Inheritance: Autosomal recessive inheritance. Affected: yes.

Labcorp Genetics (formerly Invitae), Labcorp
Classification: Pathogenic for Glutaric aciduria, type 1. Last evaluated: 2024-03-19. Review status: criteria provided, single submitter. Criteria: Invitae Variant Classification Sherloc (09022015). Collection method: clinical testing. Allele origin: germline.
Comment: This sequence change replaces methionine, which is neutral and non-polar, with threonine, which is neutral and polar, at codon 149 of the GCDH protein (p.Met149Thr). This variant is not present in population databases (gnomAD no frequency). This missense change has been observed in individual(s) with glutaric acidemia type I (Invitae). In at least one individual the data is consistent with being in trans (on the opposite chromosome) from a pathogenic variant. ClinVar contains an entry for this variant (Variation ID: 1454237). Advanced modeling of protein sequence and biophysical properties (such as structural, functional, and spatial information, amino acid conservation, physicochemical variation, residue mobility, and thermodynamic stability) performed at Invitae indicates that this missense variant is expected to disrupt GCDH protein function with a positive predictive value of 80%. For these reasons, this variant has been classified as Pathogenic.

MVZ Martinsried, Medicover Genetics
Classification: Likely pathogenic for Glutaric aciduria, type 1. Last evaluated: 2022-12-13. Review status: criteria provided, single submitter. Criteria: ACGS Guidelines, 2020. Collection method: clinical testing. Allele origin: inherited. Affected: yes.

Literature cited by the submitters: PubMed 37020324 (cited by Women's Health and Genetics/Laboratory Corporation of America, LabCorp).